The following is an entry in ClinVar:

NM_000245.4(MET):c.2767G>C (p.Val923Leu)

Gene: MET (MET proto-oncogene, receptor tyrosine kinase; plus strand). Cytogenetic location: 7q31.2.
Variant type: single nucleotide variant.
Coding change: c.2767G>C on transcript NM_000245.4 (MANE Select); coding-DNA position 2767, G replaced by C.
Protein change: p.Val923Leu; replaces valine 923 with leucine.
Molecular consequence: missense variant.
Genome position (GRCh38, 1-based): chr7:116,771,534, G>C. VCF-style: chr7-116771534-G-C. GRCh37 (hg19) VCF-style: chr7-116411588-G-C.
Other names: c.2821G>C, p.Val941Leu (NM_001127500.3); c.1477G>C, p.Val493Leu (NM_001324402.2); short protein forms V941L, V493L, V923L.
Identifiers: ClinVar variation 952973 (VCV000952973.7), dbSNP rs1794832354, ClinGen allele CA368986291.

ClinVar aggregate classification (germline): Uncertain significance (1 of 4 stars; one submission).

Conditions:
Renal cell carcinoma (RCCP1). Identifiers: Orphanet 217071, MedGen C0007134, MeSH D002292, MONDO:0005086, HP:0005584.

Submission:

Labcorp Genetics (formerly Invitae), Labcorp
Classification: Uncertain significance for Renal cell carcinoma. Last evaluated: 2021-08-24. Review status: criteria provided, single submitter. Criteria: Invitae Variant Classification Sherloc (09022015). Collection method: clinical testing. Allele origin: germline.
Comment: This sequence change replaces valine with leucine at codon 941 of the MET protein (p.Val941Leu). The valine residue is highly conserved and there is a small physicochemical difference between valine and leucine. This variant is not present in population databases (ExAC no frequency). This variant has not been reported in the literature in individuals affected with MET-related conditions. Algorithms developed to predict the effect of missense changes on protein structure and function are either unavailable or do not agree on the potential impact of this missense change (SIFT: "Tolerated"; PolyPhen-2: "Probably Damaging"; Align-GVGD: "Class C0"). In summary, the available evidence is currently insufficient to determine the role of this variant in disease. Therefore, it has been classified as a Variant of Uncertain Significance.